The following is an entry in ClinVar:

NM_002485.5(NBN):c.459A>G (p.Val153=)

Gene: NBN (nibrin; minus strand). Cytogenetic location: 8q21.3.
Variant type: single nucleotide variant.
Coding change: c.459A>G on transcript NM_002485.5 (MANE Select); coding-DNA position 459, A replaced by G.
Protein change: p.Val153=; no amino-acid change (valine 153 retained).
Molecular consequence: synonymous variant.
Genome position (GRCh38, 1-based): chr8:89,980,755, T>C on the plus strand (A>G on the coding strand, the complement: NBN is on the minus strand). VCF-style: chr8-89980755-T-C. GRCh37 (hg19) VCF-style: chr8-90992983-T-C.
Other names: c.213A>G, p.Val71= (NM_001024688.3).
Identifiers: ClinVar variation 187661 (VCV000187661.19), dbSNP rs566630862, ClinGen allele CA198223.

ClinVar aggregate classification (germline): Likely benign. Review status: criteria provided, multiple submitters, no conflicts (2 of 4 stars). 4 submissions from 4 submitters: Likely benign (3). 1 of the submissions does not count toward it. Last evaluated 2024-09-26.

Conditions:
Hereditary cancer-predisposing syndrome. Also called: Hereditary Cancer Syndrome; Neoplastic Syndromes, Hereditary; Tumor predisposition; Hereditary neoplastic syndrome. Identifiers: Orphanet 140162, MedGen C0027672, MeSH D009386, MONDO:0015356.
Microcephaly, normal intelligence and immunodeficiency (NBS). Also called: IMMUNODEFICIENCY, MICROCEPHALY, AND CHROMOSOMAL INSTABILITY; SEEMANOVA SYNDROME II; Immunodeficiency, microcephaly with normal intelligence; Ataxia telangiectasia variant V1; Nijmegen breakage syndrome; Microcephaly with normal intelligence immunodeficiency and lymphoreticular malignancies. Identifiers: Orphanet 647, MedGen C0398791, MONDO:0009623, OMIM 251260.

Allele frequency attached by ClinVar (database versions not stated): gnomAD 0.00001; 1000 Genomes Project 30x 0.00016; 1000 Genomes Project 0.00020.
gnomAD v4.1: 17 of 1,613,032 alleles (0.0011%); highest among the groups gnomAD compares: South Asian, 0.0088%; no homozygotes.

Submissions (4):

Labcorp Genetics (formerly Invitae), Labcorp
Classification: Likely benign for Microcephaly, normal intelligence and immunodeficiency. Last evaluated: 2024-09-26. Review status: criteria provided, single submitter. Criteria: Invitae Variant Classification Sherloc (09022015). Collection method: clinical testing. Allele origin: germline.

GeneDx
Classification: Likely benign. Last evaluated: 2016-06-17. Review status: criteria provided, single submitter. Criteria: GeneDx Variant Classification (06012015). Collection method: clinical testing. Allele origin: germline. Affected: yes.
Comment: This variant is considered likely benign or benign based on one or more of the following criteria: it is a conservative change, it occurs at a poorly conserved position in the protein, it is predicted to be benign by multiple in silico algorithms, and/or has population frequency not consistent with disease.

Ambry Genetics
Classification: Likely benign for Hereditary cancer-predisposing syndrome. Last evaluated: 2014-12-17. Review status: criteria provided, single submitter. Criteria: Ambry Variant Classification Scheme 2023. Collection method: clinical testing. Allele origin: germline.

Department of Pathology and Laboratory Medicine, Sinai Health System
Classification: Likely benign. Review status: no assertion criteria provided. Collection method: clinical testing. Allele origin: unknown. Affected: yes. Study: The Canadian Open Genetics Repository (COGR). Not counted in ClinVar's aggregate classification.
Comment: The NBN p.Val153= variant was not identified in the literature nor was it identified in the LOVD 3.0 database. The variant was identified in dbSNP (ID: rs566630862) as â€šÃ„ÃºWith Likely benign alleleâ€šÃ„Ã¹, ClinVar (as likely benign by Ambry Genetics, GeneDx, Invitae, and Color). The variant was identified in control databases in 7 of 246038 chromosomes at a frequency of 0.000028 (Genome Aggregation Database Feb 27, 2017). The variant was observed in the following populations: European (Non-Finnish) in 2 of 111590 chromosomes (freq: 0.000018), and South Asian in 5 of 30780 chromosomes (freq: 0.000162), while the variant was not observed in the African, Other, Latino, Ashkenazi Jewish, East Asian, or Finnish populations. The p.Val153= variant is not expected to have clinical significance because it does not result in a change of amino acid and is not located in a known consensus splice site. In addition, in silico or computational prediction software programs (SpliceSiteFinder, MaxEntScan, NNSPLICE, GeneSplicer) do not predict a difference in splicing. In summary, based on the above information the clinical significance of this variant cannot be determined with certainty at this time although we would lean towards a more benign role for this variant. This variant is classified as likely benign.